The following is an entry in ClinVar:

NM_000037.4(ANK1):c.5395-1209G>A

Gene: ANK1 (ankyrin 1; minus strand). Cytogenetic location: 8p11.21.
Variant type: single nucleotide variant.
Coding change: c.5395-1209G>A on transcript NM_000037.4 (MANE Select); 1209 bases into the intron before coding-DNA position 5395, G replaced by A.
Molecular consequence: intron variant. On other transcripts: missense variant (3).
Genome position (GRCh38, 1-based): chr8:41,664,951, C>T on the plus strand (G>A on the coding strand, the complement: ANK1 is on the minus strand). VCF-style: chr8-41664951-C-T. GRCh37 (hg19) VCF-style: chr8-41522469-C-T.
Other names: c.73G>A, p.Val25Met (NM_001142445.2, NM_020478.5, NM_020480.5); c.5518-1209G>A (NM_001142446.2); c.4909-1209G>A (NM_020477.3); c.5395-1209G>A (NM_020475.3, NM_020476.3); short protein forms V25M.
Identifiers: ClinVar variation 3025914 (VCV003025914.22), dbSNP rs202140613, ClinGen allele CA4727248.
Genomic context (GRCh38, chr8:41,664,951, plus strand): 5'-CCAGCTCCTGGTGGATGTGCTTTAGCACAAAGCACAGGGACCCCCTGACAATGTGCATCA[C>T]GTTCTGACAGCTGACCAGGAAGAAGCTCAGCAGCACCAGCGTGACCAACAGCTGGGTGAC-3'

ClinVar aggregate classification (germline): Uncertain significance (1 of 4 stars; one submission).

Allele frequency attached by ClinVar (database versions not stated): ExAC 0.00003; gnomAD 0.00003; gnomAD exomes 0.00003; TOPMed 0.00003; ESP Exome Variant Server 0.00008.
gnomAD v4.1: 52 of 1,614,146 alleles (0.0032%); highest among the groups gnomAD compares: Admixed American, 0.01%; no homozygotes.

Submission:

CeGaT Center for Human Genetics Tuebingen
Classification: Uncertain significance. Last evaluated: 2024-02-01. Review status: criteria provided, single submitter. Criteria: CeGaT Center For Human Genetics Tuebingen Variant Classification Criteria Version 2. Collection method: clinical testing. Allele origin: germline. Affected: yes. Observed: 1 variant allele.
Comment: ANK1: PM2, PP3